The following is an entry in ClinVar:

ClinVar aggregate classification (germline): Benign/Likely benign. Review status: criteria provided, multiple submitters, no conflicts (2 of 4 stars). 3 submissions from 3 submitters: Benign (1); Likely benign (2). Last evaluated 2025-10-30.

Conditions:
Breast-ovarian cancer, familial, susceptibility to, 3. Also called: RAD51C-Related Breast/Ovarian Cancer. Identifiers: Orphanet 145, MedGen C3150659, MONDO:0013253, OMIM 613399.
Hereditary cancer-predisposing syndrome. Also called: Neoplastic Syndromes, Hereditary; Tumor predisposition; Hereditary neoplastic syndrome; Hereditary Cancer Syndrome. Identifiers: Orphanet 140162, MedGen C0027672, MeSH D009386, MONDO:0015356.
Fanconi anemia complementation group O. Also called: RAD51C-Related Fanconi Anemia. Identifiers: Orphanet 84, MedGen C3150653, MONDO:0013248, OMIM 613390.

Submissions (3):

Labcorp Genetics (formerly Invitae), Labcorp
Classification: Likely benign for Fanconi anemia complementation group O. Last evaluated: 2025-10-30. Review status: criteria provided, single submitter. Criteria: Invitae Variant Classification Sherloc (09022015). Collection method: clinical testing. Allele origin: germline.

Myriad Genetics, Inc.
Classification: Benign for Breast-ovarian cancer, familial, susceptibility to, 3. Last evaluated: 2025-02-14. Review status: criteria provided, single submitter. Criteria: Myriad Autosomal Dominant, Autosomal Recessive and X-Linked Classification Criteria (2023). Collection method: clinical testing. Allele origin: unknown.
Comment: This variant is considered benign. This variant is a silent/synonymous amino acid change and it is not expected to impact splicing.

Ambry Genetics
Classification: Likely benign for Hereditary cancer-predisposing syndrome. Last evaluated: 2021-08-24. Review status: criteria provided, single submitter. Criteria: Ambry Variant Classification Scheme 2023. Collection method: clinical testing. Allele origin: germline.

NM_058216.3(RAD51C):c.318A>C (p.Ala106=)

Gene: RAD51C (RAD51 paralog C; plus strand). Cytogenetic location: 17q22.
Variant type: single nucleotide variant.
Coding change: c.318A>C on transcript NM_058216.3 (MANE Select); coding-DNA position 318, A replaced by C.
Protein change: p.Ala106=; no amino-acid change (alanine 106 retained).
Molecular consequence: synonymous variant. On other transcripts: non-coding transcript variant (2).
Genome position (GRCh38, 1-based): chr17:58,695,103, A>C. VCF-style: chr17-58695103-A-C. GRCh37 (hg19) VCF-style: chr17-56772464-A-C.
Other names: c.318A>C, p.Ala106= (NM_002876.4).
Identifiers: ClinVar variation 241770 (VCV000241770.13), dbSNP rs781371468, ClinGen allele CA10583602.